The following is an entry in ClinVar:

ClinVar aggregate classification (germline): Uncertain significance (1 of 4 stars; one submission).

Submission:

GeneDx
Classification: Uncertain significance. Last evaluated: 2025-07-03. Review status: criteria provided, single submitter. Criteria: GeneDx Variant Classification Process June 2021. Collection method: clinical testing. Allele origin: germline. Affected: yes.
Comment: Not observed at significant frequency in large population cohorts (gnomAD); In silico analysis supports that this missense variant has a deleterious effect on protein structure/function; Missense variants in this gene are a common cause of disease and they are underrepresented in the general population; Has not been previously published as pathogenic or benign to our knowledge; This variant is associated with the following publications: (PMID: 29493581)

NM_005633.4(SOS1):c.212A>C (p.Glu71Ala)

Gene: SOS1 (SOS Ras/Rac guanine nucleotide exchange factor 1; minus strand). Cytogenetic location: 2p22.1.
Variant type: single nucleotide variant.
Coding change: c.212A>C on transcript NM_005633.4 (MANE Select); coding-DNA position 212, A replaced by C.
Protein change: p.Glu71Ala; replaces glutamic acid 71 with alanine.
Molecular consequence: missense variant.
Genome position (GRCh38, 1-based): chr2:39,067,629, T>G on the plus strand (A>C on the coding strand, the complement: SOS1 is on the minus strand). VCF-style: chr2-39067629-T-G. GRCh37 (hg19) VCF-style: chr2-39294770-T-G.
Other names: c.191A>C, p.Glu64Ala (NM_001382394.1); c.212A>C, p.Glu71Ala (NM_001382395.1); short protein forms E64A, E71A.
Identifiers: ClinVar variation 4681108 (VCV004681108.1).
Genomic context (GRCh38, chr2:39,067,629, plus strand): 5'-ACATTACAACCAACACACAAATTAGATATAAAGTAAATACAAGACAACATTTGTCATACC[T>G]CTACATCTGAAGCACTTCGGGGCTGAGCTTGGCATAGCATATTTAATAATTGCAAAATTA-3'
Protein context (NP_005624.2, residues 61-81): QAQPRSASDV[Glu71Ala]ERVQKSFPHP